The following is an entry in ClinVar:

NM_004415.4(DSP):c.47G>A (p.Arg16His)

Genes: DSP (desmoplakin; plus strand), DSP-AS1 (DSP antisense RNA 1; minus strand). Cytogenetic location: 6p24.3.
Variant type: single nucleotide variant.
Coding change: c.47G>A on transcript NM_004415.4 (MANE Select); coding-DNA position 47, G replaced by A.
Protein change: p.Arg16His; replaces arginine 16 with histidine.
Molecular consequence: missense variant.
Genome position (GRCh38, 1-based): chr6:7,541,962, G>A. VCF-style: chr6-7541962-G-A. GRCh37 (hg19) VCF-style: chr6-7542195-G-A.
Other names: c.47G>A, p.Arg16His (NM_001008844.3, NM_001319034.2); c.47G>A (NM_004415.3); short protein forms R16H.
Identifiers: ClinVar variation 923187 (VCV000923187.17), dbSNP rs752387234, ClinGen allele CA042936.

ClinVar aggregate classification (germline): Conflicting classifications of pathogenicity. Review status: criteria provided, conflicting classifications (1 of 4 stars). 4 submissions from 4 submitters: Uncertain significance (3); Likely benign (1). Last evaluated 2025-12-28.

Conditions:
DSP-related disorder. Also called: DSP-related condition; DSP-related disorders.
Arrhythmogenic cardiomyopathy with wooly hair and keratoderma. Also called: PALMOPLANTAR KERATODERMA WITH LEFT VENTRICULAR CARDIOMYOPATHY AND WOOLLY HAIR; Carvajal syndrome; Dilated cardiomyopathy with woolly hair and keratoderma; Arrhythmogenic cardiomyopathy with woolly hair and keratoderma. Identifiers: Orphanet 65282, MedGen C1854063, MONDO:0011581, OMIM 605676.
Arrhythmogenic right ventricular dysplasia 8 (ARVD8). Also called: Arrhythmogenic Right Ventricular Dysplasia/Cardiomyopathy 8; ARRHYTHMOGENIC RIGHT VENTRICULAR CARDIOMYOPATHY 8; ARRHYTHMOGENIC RIGHT VENTRICULAR DYSPLASIA, FAMILIAL, 8. Identifiers: MedGen C1843896, MONDO:0011831, OMIM 607450.
Cardiomyopathy (CMYO). Also called: Cardiomyopathies. Identifiers: Orphanet 167848, MedGen C0878544, MONDO:0004994, HP:0001638. Inheritance: Various modes of inheritance.

Allele frequency attached by ClinVar (database versions not stated): ExAC 0.00013.
gnomAD v4.1: 5 of 1,607,148 alleles (0.00031%); highest among the groups gnomAD compares: Non-Finnish European, 0.00042%; no homozygotes.

Submissions (4):

Labcorp Genetics (formerly Invitae), Labcorp
Classification: Likely benign for Arrhythmogenic cardiomyopathy with wooly hair and keratoderma; Arrhythmogenic right ventricular dysplasia 8. Last evaluated: 2025-12-28. Review status: criteria provided, single submitter. Criteria: Invitae Variant Classification Sherloc (09022015). Collection method: clinical testing. Allele origin: germline.

PreventionGenetics, part of Exact Sciences
Classification: Uncertain significance for DSP-related condition. Last evaluated: 2025-12-01. Review status: criteria provided, single submitter. Criteria: ACMG Guidelines, 2015. Collection method: clinical testing. Allele origin: germline.
Comment: The DSP c.47G>A variant is predicted to result in the amino acid substitution p.Arg16His. To our knowledge, this variant has not been reported in the literature. This variant is reported in 0.0051% of alleles in individuals of European (Finnish) descent in gnomAD. At this time, the clinical significance of this variant is uncertain due to the absence of conclusive functional and genetic evidence.

Color Diagnostics, LLC DBA Color Health
Classification: Uncertain significance for Cardiomyopathy. Last evaluated: 2025-07-15. Review status: criteria provided, single submitter. Criteria: ACMG Guidelines, 2015. Collection method: clinical testing. Allele origin: germline.
Comment: This missense variant replaces arginine with histidine at codon 16 of the DSP protein. Computational prediction suggests that this variant may not impact protein structure and function. To our knowledge, functional studies have not been reported for this variant. This variant has not been reported in individuals affected with DSP-related disorders in the literature. This variant has been identified in 6/227516 chromosomes in the general population by the Genome Aggregation Database (gnomAD). The available evidence is insufficient to determine the role of this variant in disease conclusively. Therefore, this variant is classified as a Variant of Uncertain Significance.

All of Us Research Program, National Institutes of Health
Classification: Uncertain significance for Arrhythmogenic cardiomyopathy with wooly hair and keratoderma. Last evaluated: 2024-04-25. Review status: criteria provided, single submitter. Criteria: ACMG Guidelines, 2015. Collection method: clinical testing. Allele origin: germline. Inheritance: Autosomal dominant inheritance. Observed: 2 variant alleles, 2 heterozygotes.
Comment: This missense variant replaces arginine with histidine at codon 16 of the DSP protein. Computational prediction suggests that this variant may not impact protein structure and function (internally defined REVEL score threshold <= 0.5, PMID: 27666373). To our knowledge, functional studies have not been reported for this variant. This variant has not been reported in individuals affected with cardiovascular disorders in the literature. This variant has been identified in 6/227516 chromosomes in the general population by the Genome Aggregation Database (gnomAD). The available evidence is insufficient to determine the role of this variant in disease conclusively. Therefore, this variant is classified as a Variant of Uncertain Significance.

This study involves interpretation of variants in research participants for the purpose of population health screening. Participant phenotype was not available at the time of variant classification. Additional details can be found in publication PMID: 35346344, PMCID: PMC8962531